The following is an entry in ClinVar:

NM_024642.5(GALNT12):c.778A>G (p.Ile260Val)

Gene: GALNT12 (polypeptide N-acetylgalactosaminyltransferase 12; plus strand). Cytogenetic location: 9q22.33.
Variant type: single nucleotide variant.
Coding change: c.778A>G on transcript NM_024642.5 (MANE Select); coding-DNA position 778, A replaced by G.
Protein change: p.Ile260Val; replaces isoleucine 260 with valine.
Molecular consequence: missense variant.
Genome position (GRCh38, 1-based): chr9:98,831,818, A>G. VCF-style: chr9-98831818-A-G. GRCh37 (hg19) VCF-style: chr9-101594100-A-G.
Other names: short protein forms I260V.
Identifiers: ClinVar variation 1760627 (VCV001760627.2), dbSNP rs2490517322, ClinGen allele CA374217984.

ClinVar aggregate classification (germline): Uncertain significance (1 of 4 stars; one submission).

Submission:

Ambry Genetics
Classification: Uncertain significance. Last evaluated: 2022-05-13. Review status: criteria provided, single submitter. Criteria: Ambry Variant Classification Scheme 2023. Collection method: clinical testing. Allele origin: germline.
Comment: The p.I260V variant (also known as c.778A>G), located in coding exon 4 of the GALNT12 gene, results from an A to G substitution at nucleotide position 778. The isoleucine at codon 260 is replaced by valine, an amino acid with highly similar properties. This amino acid position is conserved. In addition, the in silico prediction for this alteration is inconclusive. Since supporting evidence is limited at this time, the clinical significance of this alteration remains unclear.